The following is an entry in ClinVar:

NM_020631.6(PLEKHG5):c.2698C>T (p.Arg900Cys)

Gene: PLEKHG5 (pleckstrin homology and RhoGEF domain containing G5; minus strand). Cytogenetic location: 1p36.31.
Variant type: single nucleotide variant.
Coding change: c.2698C>T on transcript NM_020631.6 (MANE Select); coding-DNA position 2698, C replaced by T.
Protein change: p.Arg900Cys; replaces arginine 900 with cysteine.
Molecular consequence: missense variant.
Genome position (GRCh38, 1-based): chr1:6,468,138, G>A on the plus strand (C>T on the coding strand, the complement: PLEKHG5 is on the minus strand). VCF-style: chr1-6468138-G-A. GRCh37 (hg19) VCF-style: chr1-6528198-G-A.
Other names: c.2809C>T, p.Arg937Cys (NM_001042663.3, NM_001265592.2); c.2698C>T, p.Arg900Cys (NM_001042664.2, NM_001042665.2, NM_001265594.3 and 1 more transcripts); c.2905C>T, p.Arg969Cys (NM_001265593.2); short protein forms R900C, R969C, R937C.
Identifiers: ClinVar variation 468910 (VCV000468910.9), dbSNP rs750132016, ClinGen allele CA561105.

ClinVar aggregate classification (germline): Uncertain significance. Review status: criteria provided, multiple submitters, no conflicts (2 of 4 stars). 2 submissions from 2 submitters: Uncertain significance (2). Last evaluated 2024-01-30.

Conditions:
Inborn genetic diseases. Identifiers: MedGen C0950123, MeSH D030342.
Charcot-Marie-Tooth disease recessive intermediate C. Also called: CHARCOT-MARIE-TOOTH NEUROPATHY, RECESSIVE INTERMEDIATE C. Identifiers: Orphanet 369867, MedGen C3809309, MONDO:0014154, OMIM 615376.
Neuronopathy, distal hereditary motor, autosomal recessive 4. Also called: Autosomal recessive lower motor neuron disease with childhood onset; NEUROPATHY, DISTAL HEREDITARY MOTOR, AUTOSOMAL RECESSIVE 4. Identifiers: Orphanet 206580, MedGen C1970211, MONDO:0012608, OMIM 611067.

Allele frequency attached by ClinVar (database versions not stated): gnomAD exomes 0.00001; ExAC 0.00003.
gnomAD v4.1: 9 of 1,571,364 alleles (0.00057%); highest among the groups gnomAD compares: Admixed American, 0.0036%; no homozygotes.

Submissions (2):

Ambry Genetics
Classification: Uncertain significance for Inborn genetic diseases. Last evaluated: 2024-01-30. Review status: criteria provided, single submitter. Criteria: Ambry Variant Classification Scheme 2023. Collection method: clinical testing. Allele origin: germline.

Labcorp Genetics (formerly Invitae), Labcorp
Classification: Uncertain significance for Neuronopathy, distal hereditary motor, autosomal recessive 4; Charcot-Marie-Tooth disease recessive intermediate C. Last evaluated: 2022-08-20. Review status: criteria provided, single submitter. Criteria: Invitae Variant Classification Sherloc (09022015). Collection method: clinical testing. Allele origin: germline.
Comment: This sequence change replaces arginine, which is basic and polar, with cysteine, which is neutral and slightly polar, at codon 900 of the PLEKHG5 protein (p.Arg900Cys). This variant is present in population databases (rs750132016, gnomAD 0.004%). This variant has not been reported in the literature in individuals affected with PLEKHG5-related conditions. ClinVar contains an entry for this variant (Variation ID: 468910). Algorithms developed to predict the effect of missense changes on protein structure and function are either unavailable or do not agree on the potential impact of this missense change (SIFT: "Deleterious"; PolyPhen-2: "Probably Damaging"; Align-GVGD: "Class C0"). In summary, the available evidence is currently insufficient to determine the role of this variant in disease. Therefore, it has been classified as a Variant of Uncertain Significance.